The following is an entry in ClinVar:

NM_006073.4(TRDN):c.1576A>G (p.Ile526Val)

Gene: TRDN (triadin; minus strand). Cytogenetic location: 6q22.31.
Variant type: single nucleotide variant.
Coding change: c.1576A>G on transcript NM_006073.4 (MANE Select); coding-DNA position 1576, A replaced by G.
Protein change: p.Ile526Val; replaces isoleucine 526 with valine.
Molecular consequence: missense variant.
Genome position (GRCh38, 1-based): chr6:123,274,662, T>C on the plus strand (A>G on the coding strand, the complement: TRDN is on the minus strand). VCF-style: chr6-123274662-T-C. GRCh37 (hg19) VCF-style: chr6-123595807-T-C.
Other names: short protein forms I526V.
Identifiers: ClinVar variation 1017537 (VCV001017537.10), dbSNP rs375091695, ClinGen allele CA365565118.

ClinVar aggregate classification (germline): Uncertain significance (1 of 4 stars; one submission).

Conditions:
Catecholaminergic polymorphic ventricular tachycardia 1. Also called: VENTRICULAR TACHYCARDIA, STRESS-INDUCED POLYMORPHIC 1; VENTRICULAR TACHYCARDIA, CATECHOLAMINERGIC POLYMORPHIC, 1, WITH OR WITHOUT ATRIAL DYSFUNCTION AND/OR DILATED CARDIOMYOPATHY; RYR2-Related Catecholaminergic Polymorphic Ventricular Tachycardia. Identifiers: Orphanet 3286, MedGen C1631597, MONDO:0011484, OMIM 604772.

Submission:

Labcorp Genetics (formerly Invitae), Labcorp
Classification: Uncertain significance for Catecholaminergic polymorphic ventricular tachycardia 1. Last evaluated: 2020-05-05. Review status: criteria provided, single submitter. Criteria: Invitae Variant Classification Sherloc (09022015). Collection method: clinical testing. Allele origin: germline.
Comment: This sequence change replaces isoleucine with valine at codon 526 of the TRDN protein (p.Ile526Val). The isoleucine residue is weakly conserved and there is a small physicochemical difference between isoleucine and valine. This variant is not present in population databases (ExAC no frequency). This variant has not been reported in the literature in individuals with TRDN-related conditions. Algorithms developed to predict the effect of missense changes on protein structure and function output the following: SIFT: "Tolerated"; PolyPhen-2: "Benign"; Align-GVGD: "Class C0". The valine amino acid residue is found in multiple mammalian species, suggesting that this missense change does not adversely affect protein function. These predictions have not been confirmed by published functional studies and their clinical significance is uncertain. In summary, the available evidence is currently insufficient to determine the role of this variant in disease. Therefore, it has been classified as a Variant of Uncertain Significance.